The following is an entry in ClinVar:

ClinVar aggregate classification (germline): Uncertain significance. Review status: criteria provided, multiple submitters, no conflicts (2 of 4 stars). 3 submissions from 3 submitters: Uncertain significance (3). Last evaluated 2026-01-02.

Conditions:
Intellectual disability-severe speech delay-mild dysmorphism syndrome (IDDLA). Also called: FOXP1 Syndrome; Mental retardation with language impairment and autistic features; Intellectual developmental disorder with language impairment AND with or without autistic features. Identifiers: Orphanet 391372, MedGen C4013764, MONDO:0013352, OMIM 613670.

Allele frequency attached by ClinVar (database versions not stated): gnomAD 0.00001; gnomAD exomes below 0.00001.
gnomAD v4.1: 4 of 1,613,944 alleles (0.00025%); highest among the groups gnomAD compares: Non-Finnish European, 0.00034%; no homozygotes.

Submissions (3):

Dasa
Classification: Uncertain significance. Last evaluated: 2026-01-02. Review status: criteria provided, single submitter. Criteria: DASA Assertion Criteria. Collection method: clinical testing. Allele origin: germline.
Comment: NM_001349338.3(FOXP1):c.1747C>T (p.Pro583Ser) is a missense variant that results in the substitution of proline with serine. This variant is rare in population databases. The currently available literature and clinical evidence are not sufficient to establish a definitive association between this variant and the reported condition. Therefore, this variant is classified as a variant of uncertain significance.

Labcorp Genetics (formerly Invitae), Labcorp
Classification: Uncertain significance. Last evaluated: 2024-04-25. Review status: criteria provided, single submitter. Criteria: Invitae Variant Classification Sherloc (09022015). Collection method: clinical testing. Allele origin: germline.
Comment: This sequence change replaces proline, which is neutral and non-polar, with serine, which is neutral and polar, at codon 583 of the FOXP1 protein (p.Pro583Ser). This variant is present in population databases (no rsID available, gnomAD 0.007%). This variant has not been reported in the literature in individuals affected with FOXP1-related conditions. ClinVar contains an entry for this variant (Variation ID: 982638). Advanced modeling of protein sequence and biophysical properties (such as structural, functional, and spatial information, amino acid conservation, physicochemical variation, residue mobility, and thermodynamic stability) performed at Invitae indicates that this missense variant is not expected to disrupt FOXP1 protein function with a negative predictive value of 95%. In summary, the available evidence is currently insufficient to determine the role of this variant in disease. Therefore, it has been classified as a Variant of Uncertain Significance.

Institute of Human Genetics, University of Leipzig Medical Center
Classification: Uncertain significance for Intellectual disability-severe speech delay-mild dysmorphism syndrome. Last evaluated: 2019-01-01. Review status: criteria provided, single submitter. Criteria: ACMG Guidelines, 2015. Collection method: clinical testing. Allele origin: unknown. Affected: yes.

NM_001349338.3(FOXP1):c.1747C>T (p.Pro583Ser)

Gene: FOXP1 (forkhead box P1; minus strand). Cytogenetic location: 3p13.
Variant type: single nucleotide variant.
Coding change: c.1747C>T on transcript NM_001349338.3 (MANE Select); coding-DNA position 1747, C replaced by T.
Protein change: p.Pro583Ser; replaces proline 583 with serine.
Molecular consequence: missense variant. On other transcripts: non-coding transcript variant (2).
Genome position (GRCh38, 1-based): chr3:70,966,032, G>A on the plus strand (C>T on the coding strand, the complement: FOXP1 is on the minus strand). VCF-style: chr3-70966032-G-A. GRCh37 (hg19) VCF-style: chr3-71015183-G-A.
Other names: c.1744C>T, p.Pro582Ser (NM_001244808.3, NM_001349341.3); c.1795C>T, p.Pro599Ser (NM_001244810.2); c.1519C>T, p.Pro507Ser (NM_001244812.3); c.1447C>T, p.Pro483Ser (NM_001244813.3, NM_001244815.2, NM_001349342.3); c.1747C>T, p.Pro583Ser (NM_001244814.3, NM_001244816.2, NM_001349340.3 and 1 more transcripts); c.1444C>T, p.Pro482Ser (NM_001349337.2, NM_001349343.3, NM_001349344.3 and 1 more transcripts); short protein forms P482S, P483S, P507S, P582S, P583S, P599S.
Identifiers: ClinVar variation 982638 (VCV000982638.5), dbSNP rs1423437984, ClinGen allele CA353489740.
Genomic context (GRCh38, chr3:70,966,032, plus strand): 5'-GTATTGCGCTGGCTAAGTTGCCCAGAGTGGGATTTCCCATGGAAGCGGTAGTGTATAGAG[G>A]TATACTATTCTCAGCCATTGAAGCCTGTCATCAACCAAGAGAAAATTTATGAAGACACAG-3'
Protein context (NP_001336267.1, residues 573-593): LQASMAENSI[Pro583Ser]LYTTASMGNP